The following is an entry in ClinVar:

NM_000051.4(ATM):c.6630G>C (p.Gln2210His)

Genes: ATM (ATM serine/threonine kinase; plus strand), C11orf65 (chromosome 11 open reading frame 65; minus strand). Cytogenetic location: 11q22.3.
Variant type: single nucleotide variant.
Coding change: c.6630G>C on transcript NM_000051.4 (MANE Select); coding-DNA position 6630, G replaced by C.
Protein change: p.Gln2210His; replaces glutamine 2210 with histidine.
Molecular consequence: missense variant. On other transcripts: intron variant (2).
Genome position (GRCh38, 1-based): chr11:108,325,367, G>C. VCF-style: chr11-108325367-G-C. GRCh37 (hg19) VCF-style: chr11-108196094-G-C.
Other names: c.6630G>C, p.Gln2210His (NM_001351834.2); c.641-16296C>G (NM_001330368.2); c.*38+9853C>G (NM_001351110.2); short protein forms Q2210H.
Identifiers: ClinVar variation 1952459 (VCV001952459.4), dbSNP rs777515589, ClinGen allele CA382554772.

ClinVar aggregate classification (germline): Uncertain significance (1 of 4 stars; one submission).

Conditions:
Ataxia-telangiectasia syndrome (AT). Also called: Ataxia-telangiectasia, complementation group D; AT, COMPLEMENTATION GROUP C; ATAXIA-TELANGIECTASIA, COMPLEMENTATION GROUP A; ATAXIA-TELANGIECTASIA, FRESNO VARIANT; Ataxia-telangiectasia, complementation group E; LOUIS-BAR SYNDROME. Identifiers: Orphanet 100, MedGen C0004135, MONDO:0008840, OMIM 208900.

Submission:

Labcorp Genetics (formerly Invitae), Labcorp
Classification: Uncertain significance for Ataxia-telangiectasia syndrome. Last evaluated: 2024-04-24. Review status: criteria provided, single submitter. Criteria: Invitae Variant Classification Sherloc (09022015). Collection method: clinical testing. Allele origin: germline.
Comment: This sequence change replaces glutamine, which is neutral and polar, with histidine, which is basic and polar, at codon 2210 of the ATM protein (p.Gln2210His). This variant is not present in population databases (gnomAD no frequency). This variant has not been reported in the literature in individuals affected with ATM-related conditions. ClinVar contains an entry for this variant (Variation ID: 1952459). An algorithm developed to predict the effect of missense changes on protein structure and function (PolyPhen-2) suggests that this variant is likely to be tolerated. In summary, the available evidence is currently insufficient to determine the role of this variant in disease. Therefore, it has been classified as a Variant of Uncertain Significance.